The following is an entry in ClinVar:

ClinVar aggregate classification (germline): Uncertain significance (1 of 4 stars; one submission).

Conditions:
Baraitser-Winter syndrome 1 (BRWS1). Also called: BARAITSER-WINTER SYNDROME 1, ATYPICAL; PACHYGYRIA, MENTAL RETARDATION, EPILEPSY, AND CHARACTERISTIC FACIES; MENTAL RETARDATION WITH EPILEPSY AND CHARACTERISTIC FACIES; Cerebrofrontofacial syndrome. Identifiers: Orphanet 2649, Orphanet 2995, MedGen C1855722, MONDO:0009470, OMIM 243310.

Submission:

Labcorp Genetics (formerly Invitae), Labcorp
Classification: Uncertain significance for Baraitser-Winter syndrome 1. Last evaluated: 2024-02-29. Review status: criteria provided, single submitter. Criteria: Invitae Variant Classification Sherloc (09022015). Collection method: clinical testing. Allele origin: germline.
Comment: This sequence change replaces isoleucine, which is neutral and non-polar, with valine, which is neutral and non-polar, at codon 289 of the ACTB protein (p.Ile289Val). This variant is not present in population databases (gnomAD no frequency). This variant has not been reported in the literature in individuals affected with ACTB-related conditions. Advanced modeling of protein sequence and biophysical properties (such as structural, functional, and spatial information, amino acid conservation, physicochemical variation, residue mobility, and thermodynamic stability) performed at Invitae indicates that this missense variant is not expected to disrupt ACTB protein function with a negative predictive value of 80%. In summary, the available evidence is currently insufficient to determine the role of this variant in disease. Therefore, it has been classified as a Variant of Uncertain Significance.

NM_001101.5(ACTB):c.865A>G (p.Ile289Val)

Gene: ACTB (actin beta; minus strand). Cytogenetic location: 7p22.1.
Variant type: single nucleotide variant.
Coding change: c.865A>G on transcript NM_001101.5 (MANE Select); coding-DNA position 865, A replaced by G.
Protein change: p.Ile289Val; replaces isoleucine 289 with valine.
Molecular consequence: missense variant.
Genome position (GRCh38, 1-based): chr7:5,528,123, T>C on the plus strand (A>G on the coding strand, the complement: ACTB is on the minus strand). VCF-style: chr7-5528123-T-C. GRCh37 (hg19) VCF-style: chr7-5567754-T-C.
Other names: short protein forms I289V.
Identifiers: ClinVar variation 3643700 (VCV003643700.2).
Genomic context (GRCh38, chr7:5,528,123, plus strand): 5'-TGCCAGGGTACATGGTGGTGCCGCCAGACAGCACTGTGTTGGCGTACAGGTCTTTGCGGA[T>C]GTCCACGTCACACTTCATGATGGAGTTGAAGGTAGTTTCGTGGATGCCACAGGACTCCAT-3'
Protein context (NP_001092.1, residues 279-299): FNSIMKCDVD[Ile289Val]RKDLYANTVL